The following is an entry in ClinVar:

ClinVar aggregate classification (germline): Conflicting classifications of pathogenicity. Review status: criteria provided, conflicting classifications (1 of 4 stars). 4 submissions from 4 submitters: Uncertain significance (1); Benign (1); Likely benign (1). 1 of the submissions does not count toward it. Last evaluated 2025-10-28.

Conditions:
VPS13B-related disorder. Also called: VPS13B-related condition.
Cohen syndrome (COH1). Also called: PEPPER SYNDROME; Cutis verticis gyrata, retinitis pigmentosa, and sensorineural deafness. Identifiers: Orphanet 193, MedGen C0265223, MONDO:0008999, OMIM 216550.

Allele frequency attached by ClinVar (database versions not stated): TOPMed 0.00002; gnomAD exomes 0.00008 and 0.00019; ExAC 0.00026; gnomAD 0.00029.
gnomAD v4.1: 149 of 1,613,538 alleles (0.0092%); highest among the groups gnomAD compares: Non-Finnish European, 0.0025%; 1 homozygote.

Submissions (4):

Labcorp Genetics (formerly Invitae), Labcorp
Classification: Likely benign for Cohen syndrome. Last evaluated: 2025-10-28. Review status: criteria provided, single submitter. Criteria: Invitae Variant Classification Sherloc (09022015). Collection method: clinical testing. Allele origin: germline.

Blueprint Genetics
Classification: Benign. Last evaluated: 2024-09-30. Review status: criteria provided, single submitter. Criteria: ACMG Guidelines, 2015. Collection method: clinical testing. Allele origin: germline.

Illumina Laboratory Services, Illumina
Classification: Uncertain significance for Cohen syndrome. Last evaluated: 2018-01-13. Review status: criteria provided, single submitter. Criteria: ICSL Variant Classification Criteria 13 December 2019. Collection method: clinical testing. Allele origin: germline.

PreventionGenetics, part of Exact Sciences
Classification: Uncertain significance for VPS13B-related condition. Last evaluated: 2024-06-10. Review status: no assertion criteria provided. Collection method: clinical testing. Allele origin: germline. Not counted in ClinVar's aggregate classification.
Comment: The VPS13B c.3436C>G variant is predicted to result in the amino acid substitution p.Leu1146Val. To our knowledge, this variant has not been reported in the literature. This variant is reported in 0.12% of alleles in individuals of European (Finnish) descent in gnomAD, which is likely too frequent to be a primary cause of disease. Although we suspect that this variant may be benign, at this time, the clinical significance of this variant is uncertain due to the absence of conclusive functional and genetic evidence.

NM_152564.5(VPS13B):c.3436C>G (p.Leu1146Val)

Gene: VPS13B (vacuolar protein sorting 13 homolog B; plus strand). Cytogenetic location: 8q22.2.
Variant type: single nucleotide variant.
Coding change: c.3436C>G on transcript NM_152564.5 (MANE Select); coding-DNA position 3436, C replaced by G.
Protein change: p.Leu1146Val; replaces leucine 1146 with valine.
Molecular consequence: missense variant.
Genome position (GRCh38, 1-based): chr8:99,442,626, C>G. VCF-style: chr8-99442626-C-G. GRCh37 (hg19) VCF-style: chr8-100454854-C-G.
Other names: c.3436C>G, p.Leu1146Val (NM_017890.5); c.3436C>G (NM_152564.4); short protein forms L1146V.
Identifiers: ClinVar variation 361057 (VCV000361057.15), dbSNP rs202015701, ClinGen allele CA4823245.